The following is an entry in ClinVar:

NM_001113378.2(FANCI):c.3379A>G (p.Asn1127Asp)

Gene: FANCI (FA complementation group I; plus strand). Cytogenetic location: 15q26.1.
Variant type: single nucleotide variant.
Coding change: c.3379A>G on transcript NM_001113378.2 (MANE Select); coding-DNA position 3379, A replaced by G.
Protein change: p.Asn1127Asp; replaces asparagine 1127 with aspartic acid.
Molecular consequence: missense variant.
Genome position (GRCh38, 1-based): chr15:89,306,036, A>G. VCF-style: chr15-89306036-A-G. GRCh37 (hg19) VCF-style: chr15-89849267-A-G.
Other names: c.3100A>G, p.Asn1034Asp (NM_001376910.1); c.3379A>G, p.Asn1127Asp (NM_001376911.1); c.3199A>G, p.Asn1067Asp (NM_018193.3); short protein forms N1127D, N1067D, N1034D.
Identifiers: ClinVar variation 238323 (VCV000238323.8), dbSNP rs878854179, ClinGen allele CA10583268.

ClinVar aggregate classification (germline): Uncertain significance (1 of 4 stars; one submission).

Conditions:
Fanconi anemia (FA). Also called: Fanconi's anemia. Identifiers: Orphanet 84, MedGen C0015625, MeSH D005199, MONDO:0019391.

Allele frequency attached by ClinVar (database versions not stated): gnomAD 0.00001.
gnomAD v4.1: 2 of 1,614,088 alleles (0.00012%); highest among the groups gnomAD compares: Admixed American, 0.0017%; no homozygotes.

Submission:

Labcorp Genetics (formerly Invitae), Labcorp
Classification: Uncertain significance for Fanconi anemia. Last evaluated: 2016-01-01. Review status: criteria provided, single submitter. Criteria: Invitae Variant Classification Sherloc (09022015). Collection method: clinical testing. Allele origin: germline.
Comment: In summary, this is a novel missense change that is not predicted to affect protein function or cause disease. However the evidence is insufficient at this time to prove that conclusively. It has been classified as a Variant of Uncertain Significance. Algorithms developed to predict the effect of missense changes on protein structure and function (SIFT, PolyPhen-2, Align-GVGD) all suggest that this variant is likely to be tolerated, but these predictions have not been confirmed by published functional studies. This variant is not present in population databases (ExAC no frequency) and has not been reported in the literature in individuals with a FANCI-related disease. This sequence change replaces asparagine with aspartic acid at codon 1127 of the FANCI protein (p.Asn1127Asp). The asparagine residue is weakly conserved and there is a small physicochemical difference between asparagine and aspartic acid.